The following is an entry in ClinVar:

ClinVar aggregate classification (germline): Likely benign (0 of 4 stars; one submission).

Conditions:
PLXNA3-related disorder. Also called: PLXNA3-related condition.

Allele frequency attached by ClinVar (database versions not stated): ESP Exome Variant Server 0.00009; gnomAD 0.00024; gnomAD exomes 0.00024; TOPMed 0.00026; ExAC 0.00027; 1000 Genomes Project 0.00053; 1000 Genomes Project 30x 0.00062.
gnomAD v4.1: 307 of 1,208,018 alleles (0.025%); highest among the groups gnomAD compares: Admixed American, 0.078%; no homozygotes.

Submission:

PreventionGenetics, part of Exact Sciences
Classification: Likely benign for PLXNA3-related condition. Last evaluated: 2019-02-21. Review status: no assertion criteria provided. Collection method: clinical testing. Allele origin: germline.
Comment: This variant is classified as likely benign based on ACMG/AMP sequence variant interpretation guidelines (Richards et al. 2015 PMID: 25741868, with internal and published modifications).

NM_017514.5(PLXNA3):c.78C>T (p.Phe26=)

Gene: PLXNA3 (plexin A3; plus strand). Cytogenetic location: Xq28.
Variant type: single nucleotide variant.
Coding change: c.78C>T on transcript NM_017514.5 (MANE Select); coding-DNA position 78, C replaced by T.
Protein change: p.Phe26=; no amino-acid change (phenylalanine 26 retained).
Molecular consequence: synonymous variant.
Genome position (GRCh38, 1-based): chrX:154,460,261, C>T. VCF-style: chrX-154460261-C-T. GRCh37 (hg19) VCF-style: chrX-153688601-C-T.
Identifiers: ClinVar variation 3047370 (VCV003047370.2), dbSNP rs144950198, ClinGen allele CA10563590.